The following is an entry in ClinVar:

ClinVar aggregate classification (germline): Uncertain significance (1 of 4 stars; one submission).

Conditions:
Long QT syndrome (LQTS). Identifiers: MedGen C0023976, MeSH D008133, MONDO:0002442. Disease mechanism: loss of function. Inheritance: Various modes of inheritance.

Submission:

Labcorp Genetics (formerly Invitae), Labcorp
Classification: Uncertain significance for Long QT syndrome. Last evaluated: 2024-02-01. Review status: criteria provided, single submitter. Criteria: Invitae Variant Classification Sherloc (09022015). Collection method: clinical testing. Allele origin: germline.
Comment: This sequence change replaces threonine, which is neutral and polar, with alanine, which is neutral and non-polar, at codon 1634 of the ANK2 protein (p.Thr1634Ala). This variant is not present in population databases (gnomAD no frequency). This variant has not been reported in the literature in individuals affected with ANK2-related conditions. Algorithms developed to predict the effect of missense changes on protein structure and function output the following: SIFT: "Not Available"; PolyPhen-2: "Benign"; Align-GVGD: "Not Available". The alanine amino acid residue is found in multiple mammalian species, which suggests that this missense change does not adversely affect protein function. In summary, the available evidence is currently insufficient to determine the role of this variant in disease. Therefore, it has been classified as a Variant of Uncertain Significance.

NM_001148.6(ANK2):c.4900A>G (p.Thr1634Ala)

Gene: ANK2 (ankyrin 2; plus strand). Cytogenetic location: 4q26.
Variant type: single nucleotide variant.
Coding change: c.4900A>G on transcript NM_001148.6 (MANE Select); coding-DNA position 4900, A replaced by G.
Protein change: p.Thr1634Ala; replaces threonine 1634 with alanine.
Molecular consequence: missense variant. On other transcripts: intron variant (68).
Genome position (GRCh38, 1-based): chr4:113,353,518, A>G. VCF-style: chr4-113353518-A-G. GRCh37 (hg19) VCF-style: chr4-114274674-A-G.
Other names: c.4666A>G, p.Thr1556Ala (NM_001386142.1); c.1300A>G, p.Thr434Ala (NM_001386166.1); c.5041A>G, p.Thr1681Ala (NM_001386174.1); c.5017A>G, p.Thr1673Ala (NM_001386175.1); c.4411+3269A>G (NM_001386186.2, NM_001386148.2); c.4213+3269A>G (NM_001354269.3); c.4291+3269A>G (NM_001386187.2); c.4252+3269A>G (NM_001386147.1); and 35 more; short protein forms T1634A, T1673A, T434A, T1556A, T1681A.
Identifiers: ClinVar variation 2850759 (VCV002850759.3), dbSNP rs943636060, ClinGen allele CA103811639.